The following is an entry in ClinVar:

NM_006796.3(AFG3L2):c.1394G>A (p.Arg465Lys)

Gene: AFG3L2 (AFG3 like matrix AAA peptidase subunit 2; minus strand). Cytogenetic location: 18p11.21.
Variant type: single nucleotide variant.
Coding change: c.1394G>A on transcript NM_006796.3 (MANE Select); coding-DNA position 1394, G replaced by A.
Protein change: p.Arg465Lys; replaces arginine 465 with lysine.
Molecular consequence: missense variant.
Genome position (GRCh38, 1-based): chr18:12,351,338, C>T on the plus strand (G>A on the coding strand, the complement: AFG3L2 is on the minus strand). VCF-style: chr18-12351338-C-T. GRCh37 (hg19) VCF-style: chr18-12351337-C-T.
Other names: short protein forms R465K.
Identifiers: ClinVar variation 973104 (VCV000973104.3), dbSNP rs1908309088, ClinGen allele CA401952350.
Genomic context (GRCh38, chr18:12,351,338, plus strand): 5'-GGACCTGCCCCAGCAAACATCATCTCACCAATAAAGATCTGCCTGTCGAAACGCCCCGGC[C>T]TAAGCAGCGCGGGGTCCAGGATATCTGGTCGATTGGTGCCGGCCAAAATGACGACATTTG-3'
Protein context (NP_006787.2, residues 455-475): RPDILDPALL[Arg465Lys]PGRFDRQIFI

ClinVar aggregate classification (germline): Likely pathogenic. Review status: criteria provided, single submitter (1 of 4 stars). 2 submissions from 2 submitters: Likely pathogenic (1). 1 of the submissions does not count toward it. Last evaluated 2026-08-01.

Conditions:
Optic atrophy. Identifiers: MedGen C0029124, MONDO:0003608, HP:0000648.
Intellectual disability. Also called: Intellectual developmental disorder; Intellectual functioning disability; intellectual disabilities. Identifiers: MedGen C3714756, MeSH D008607, MONDO:0001071, HP:0001249.

Submissions (2):

CeGaT Center for Human Genetics Tuebingen
Classification: Likely pathogenic. Last evaluated: 2026-08-01. Review status: criteria provided, single submitter. Criteria: CeGaT Center For Human Genetics Tuebingen Variant Classification Criteria Version 2. Collection method: clinical testing. Allele origin: germline. Affected: yes. Observed: 1 variant allele.
Comment: AFG3L2: PM2, PM6:Supporting, PP3, PS3:Supporting, PS4:Supporting

Neurogenetics, IRCCS Istituto delle Scienze Neurologiche di Bologna
Classification: Pathogenic for Optic atrophy; Intellectual disability. Review status: no assertion criteria provided. Collection method: research, in vitro. Allele origin: de novo. Affected: yes. Observed: 1 variant allele. Not counted in ClinVar's aggregate classification.
Comment: Optic Atrophy 12, OPA12

Literature cited by the submitters: PubMed 32219868 (cited by Neurogenetics, IRCCS Istituto delle Scienze Neurologiche di Bologna).